The following is an entry in ClinVar:

NM_017636.4(TRPM4):c.3308C>T (p.Ser1103Phe)

Gene: TRPM4 (transient receptor potential cation channel subfamily M member 4; plus strand). Cytogenetic location: 19q13.33.
Variant type: single nucleotide variant.
Coding change: c.3308C>T on transcript NM_017636.4 (MANE Select); coding-DNA position 3308, C replaced by T.
Protein change: p.Ser1103Phe; replaces serine 1103 with phenylalanine.
Molecular consequence: missense variant.
Genome position (GRCh38, 1-based): chr19:49,210,385, C>T. VCF-style: chr19-49210385-C-T. GRCh37 (hg19) VCF-style: chr19-49713642-C-T.
Other names: c.2873C>T, p.Ser958Phe (NM_001195227.2); c.2963C>T, p.Ser988Phe (NM_001321281.2); c.1700C>T, p.Ser567Phe (NM_001321282.2); c.2786C>T, p.Ser929Phe (NM_001321283.2); c.2246C>T, p.Ser749Phe (NM_001321285.2); short protein forms S1103F, S749F, S929F, S567F, S958F, S988F.
Identifiers: ClinVar variation 1730033 (VCV001730033.10), dbSNP rs753146428, ClinGen allele CA9569848.

ClinVar aggregate classification (germline): Uncertain significance. Review status: criteria provided, multiple submitters, no conflicts (2 of 4 stars). 3 submissions from 3 submitters: Uncertain significance (3). Last evaluated 2025-06-22.

Conditions:
Progressive familial heart block type IB (PFHB1B). Identifiers: Orphanet 871, MedGen C1970298, MONDO:0011474, OMIM 604559.
Cardiovascular phenotype. Identifiers: MedGen CN230736.

Allele frequency attached by ClinVar (database versions not stated): gnomAD exomes below 0.00001; ExAC 0.00003; TOPMed 0.00006; gnomAD 0.00007; 1000 Genomes Project 30x 0.00016.
gnomAD v4.1: 16 of 1,613,852 alleles (0.00099%); highest among the groups gnomAD compares: African/African-American, 0.019%; no homozygotes.

Submissions (3):

Ambry Genetics
Classification: Uncertain significance for Cardiovascular phenotype. Last evaluated: 2025-06-22. Review status: criteria provided, single submitter. Criteria: Ambry Variant Classification Scheme 2023. Collection method: clinical testing. Allele origin: germline.

Labcorp Genetics (formerly Invitae), Labcorp
Classification: Uncertain significance for Progressive familial heart block type IB. Last evaluated: 2025-06-12. Review status: criteria provided, single submitter. Criteria: Invitae Variant Classification Sherloc (09022015). Collection method: clinical testing. Allele origin: germline.
Comment: This sequence change replaces serine, which is neutral and polar, with phenylalanine, which is neutral and non-polar, at codon 1103 of the TRPM4 protein (p.Ser1103Phe). This variant is present in population databases (rs753146428, gnomAD 0.03%). This variant has not been reported in the literature in individuals affected with TRPM4-related conditions. ClinVar contains an entry for this variant (Variation ID: 1730033). An algorithm developed to predict the effect of missense changes on protein structure and function (PolyPhen-2) suggests that this variant is likely to be tolerated. In summary, the available evidence is currently insufficient to determine the role of this variant in disease. Therefore, it has been classified as a Variant of Uncertain Significance.

GeneDx
Classification: Uncertain significance. Last evaluated: 2024-07-05. Review status: criteria provided, single submitter. Criteria: GeneDx Variant Classification Process June 2021. Collection method: clinical testing. Allele origin: germline. Affected: yes.
Comment: Has not been previously published as pathogenic or benign to our knowledge; In silico analysis indicates that this missense variant does not alter protein structure/function